The following is an entry in ClinVar:

ClinVar aggregate classification (germline): Likely benign. Review status: criteria provided, multiple submitters, no conflicts (2 of 4 stars). 3 submissions from 3 submitters: Likely benign (2). 1 of the submissions does not count toward it. Last evaluated 2025-08-29.

Conditions:
Left ventricular noncompaction 8 (LVNC8). Identifiers: Orphanet 154, Orphanet 54260, MedGen C3809288, MONDO:0014152, OMIM 615373.
PRDM16-related disorder. Also called: PRDM16-related condition.

Allele frequency attached by ClinVar (database versions not stated): gnomAD exomes 0.00002; ExAC 0.00004; gnomAD 0.00004; TOPMed 0.00004; 1000 Genomes Project 0.00020; 1000 Genomes Project 30x 0.00031.
gnomAD v4.1: 21 of 1,609,868 alleles (0.0013%); highest among the groups gnomAD compares: African/African-American, 0.0093%; no homozygotes.

Submissions (3):

Labcorp Genetics (formerly Invitae), Labcorp
Classification: Likely benign for Left ventricular noncompaction 8. Last evaluated: 2025-08-29. Review status: criteria provided, single submitter. Criteria: Invitae Variant Classification Sherloc (09022015). Collection method: clinical testing. Allele origin: germline.

Blueprint Genetics
Classification: Likely benign. Last evaluated: 2022-07-26. Review status: criteria provided, single submitter. Criteria: ACMG Guidelines, 2015. Collection method: clinical testing. Allele origin: germline.

PreventionGenetics, part of Exact Sciences
Classification: Likely benign for PRDM16-related condition. Last evaluated: 2019-04-16. Review status: no assertion criteria provided. Collection method: clinical testing. Allele origin: germline. Not counted in ClinVar's aggregate classification.
Comment: This variant is classified as likely benign based on ACMG/AMP sequence variant interpretation guidelines (Richards et al. 2015 PMID: 25741868, with internal and published modifications).

NM_022114.4(PRDM16):c.1509G>A (p.Ala503=)

Gene: PRDM16 (PR/SET domain 16; plus strand). Cytogenetic location: 1p36.32.
Variant type: single nucleotide variant.
Coding change: c.1509G>A on transcript NM_022114.4 (MANE Select); coding-DNA position 1509, G replaced by A.
Protein change: p.Ala503=; no amino-acid change (alanine 503 retained).
Molecular consequence: synonymous variant.
Genome position (GRCh38, 1-based): chr1:3,411,706, G>A. VCF-style: chr1-3411706-G-A. GRCh37 (hg19) VCF-style: chr1-3328270-G-A.
Other names: c.1509G>A (NM_022114.3); c.1509G>A, p.Ala503= (NM_199454.3).
Identifiers: ClinVar variation 1572184 (VCV001572184.11), dbSNP rs558211792, ClinGen allele CA544210.